The following is an entry in ClinVar:

NM_004364.5(CEBPA):c.476T>A (p.Val159Glu)

Gene: CEBPA (CCAAT enhancer binding protein alpha; minus strand). Cytogenetic location: 19q13.11.
Variant type: single nucleotide variant.
Coding change: c.476T>A on transcript NM_004364.5 (MANE Select); coding-DNA position 476, T replaced by A.
Protein change: p.Val159Glu; replaces valine 159 with glutamic acid.
Molecular consequence: missense variant.
Genome position (GRCh38, 1-based): chr19:33,301,939, A>T on the plus strand (T>A on the coding strand, the complement: CEBPA is on the minus strand). VCF-style: chr19-33301939-A-T. GRCh37 (hg19) VCF-style: chr19-33792845-A-T.
Other names: c.119T>A, p.Val40Glu (NM_001285829.2); c.581T>A, p.Val194Glu (NM_001287424.2); c.434T>A, p.Val145Glu (NM_001287435.2); short protein forms V194E, V40E, V145E, V159E.
Identifiers: ClinVar variation 4000023 (VCV004000023.1).

ClinVar aggregate classification (germline): Uncertain significance (1 of 4 stars; one submission).

Conditions:
Inborn genetic diseases. Identifiers: MedGen C0950123, MeSH D030342.

Submission:

Ambry Genetics
Classification: Uncertain significance for Inborn genetic diseases. Last evaluated: 2025-06-02. Review status: criteria provided, single submitter. Criteria: Ambry Variant Classification Scheme 2023. Collection method: clinical testing. Allele origin: germline.
Comment: The p.V159E variant (also known as c.476T>A), located in coding exon 1 of the CEBPA gene, results from a T to A substitution at nucleotide position 476. The valine at codon 159 is replaced by glutamic acid, an amino acid with dissimilar properties. This amino acid position is conserved. In addition, this alteration is predicted to be tolerated by in silico analysis. Based on the available evidence, the clinical significance of this variant remains unclear.